The following is an entry in ClinVar:

ClinVar aggregate classification (germline): Conflicting classifications of pathogenicity. Review status: criteria provided, conflicting classifications (1 of 4 stars). 4 submissions from 4 submitters: Uncertain significance (1); Likely benign (2). 1 of the submissions does not count toward it. Last evaluated 2026-01-14.

Conditions:
MGAT2-related disorder. Also called: MGAT2-related condition.
MGAT2-congenital disorder of glycosylation. Also called: MENTAL RETARDATION, GROWTH RETARDATION, PROMINENT COLUMELLA, AND OPEN MOUTH; Alkuraya syndrome; CDG IIa; MGAT2-CDG; Congenital disorder of glycosylation, type IIa. Identifiers: Orphanet 79329, MedGen C2931008, MONDO:0008908, OMIM 212066.

Allele frequency attached by ClinVar (database versions not stated): gnomAD 0.00017 and 0.00019; ExAC 0.00021; TOPMed 0.00025; gnomAD exomes 0.00027 and 0.00032; ESP Exome Variant Server 0.00031.

Submissions (4):

Labcorp Genetics (formerly Invitae), Labcorp
Classification: Likely benign for MGAT2-congenital disorder of glycosylation. Last evaluated: 2026-01-14. Review status: criteria provided, single submitter. Criteria: Invitae Variant Classification Sherloc (09022015). Collection method: clinical testing. Allele origin: germline.

Illumina Laboratory Services, Illumina
Classification: Uncertain significance for MGAT2-congenital disorder of glycosylation. Last evaluated: 2018-01-13. Review status: criteria provided, single submitter. Criteria: ICSL Variant Classification Criteria 13 December 2019. Collection method: clinical testing. Allele origin: germline.

GeneDx
Classification: Likely benign. Last evaluated: 2017-09-26. Review status: criteria provided, single submitter. Criteria: GeneDx Variant Classification (06012015). Collection method: clinical testing. Allele origin: germline. Affected: yes.
Comment: This variant is considered likely benign or benign based on one or more of the following criteria: it is a conservative change, it occurs at a poorly conserved position in the protein, it is predicted to be benign by multiple in silico algorithms, and/or has population frequency not consistent with disease.

PreventionGenetics, part of Exact Sciences
Classification: Likely benign for MGAT2-related condition. Last evaluated: 2019-09-24. Review status: no assertion criteria provided. Collection method: clinical testing. Allele origin: germline. Not counted in ClinVar's aggregate classification.
Comment: This variant is classified as likely benign based on ACMG/AMP sequence variant interpretation guidelines (Richards et al. 2015 PMID: 25741868, with internal and published modifications).

NM_002408.4(MGAT2):c.63C>T (p.Gly21=)

Gene: MGAT2 (alpha-1,6-mannosyl-glycoprotein 2-beta-N-acetylglucosaminyltransferase; plus strand). Cytogenetic location: 14q21.3.
Variant type: single nucleotide variant.
Coding change: c.63C>T on transcript NM_002408.4 (MANE Select); coding-DNA position 63, C replaced by T.
Protein change: p.Gly21=; no amino-acid change (glycine 21 retained).
Molecular consequence: synonymous variant.
Genome position (GRCh38, 1-based): chr14:49,621,331, C>T. VCF-style: chr14-49621331-C-T. GRCh37 (hg19) VCF-style: chr14-50088049-C-T.
Identifiers: ClinVar variation 313254 (VCV000313254.17), dbSNP rs146729850, ClinGen allele CA7172457.
Genomic context (GRCh38, chr14:49,621,331, plus strand): 5'-GAGGTTCCGCATCTACAAACGGAAGGTGCTAATCCTGACGCTCGTGGTGGCCGCCTGCGG[C>T]TTCGTCCTCTGGAGCAGCAATGGGCGACAAAGGAAGAACGAGGCCCTCGCCCCACCGTTG-3'
Protein context (NP_002399.1, residues 11-31): LILTLVVAAC[Gly21=]FVLWSSNGRQ